The following is an entry in ClinVar:

ClinVar aggregate classification (germline): Uncertain significance (1 of 4 stars; one submission).

Conditions:
Fanconi anemia (FA). Also called: Fanconi's anemia. Identifiers: Orphanet 84, MedGen C0015625, MeSH D005199, MONDO:0019391.

Allele frequency attached by ClinVar (database versions not stated): TOPMed 0.00001; ExAC 0.00001.
gnomAD v4.1: 2 of 1,614,070 alleles (0.00012%); highest among the groups gnomAD compares: East Asian, 0.0045%; no homozygotes.

Submission:

Labcorp Genetics (formerly Invitae), Labcorp
Classification: Uncertain significance for Fanconi anemia. Last evaluated: 2025-11-18. Review status: criteria provided, single submitter. Criteria: Invitae Variant Classification Sherloc (09022015). Collection method: clinical testing. Allele origin: germline.
Comment: This sequence change replaces glycine, which is neutral and non-polar, with serine, which is neutral and polar, at codon 149 of the FANCI protein (p.Gly149Ser). This variant is present in population databases (rs763494935, gnomAD 0.01%). This variant has not been reported in the literature in individuals affected with FANCI-related conditions. ClinVar contains an entry for this variant (Variation ID: 220898). An algorithm developed to predict the effect of missense changes on protein structure and function (PolyPhen-2) suggests that this variant is likely to be tolerated. Algorithms developed to predict the effect of sequence changes on RNA splicing suggest that this variant may disrupt the consensus splice site. In summary, the available evidence is currently insufficient to determine the role of this variant in disease. Therefore, it has been classified as a Variant of Uncertain Significance.

NM_001113378.2(FANCI):c.445G>A (p.Gly149Ser)

Gene: FANCI (FA complementation group I; plus strand). Cytogenetic location: 15q26.1.
Variant type: single nucleotide variant.
Coding change: c.445G>A on transcript NM_001113378.2 (MANE Select); coding-DNA position 445, G replaced by A.
Protein change: p.Gly149Ser; replaces glycine 149 with serine.
Molecular consequence: missense variant.
Genome position (GRCh38, 1-based): chr15:89,261,741, G>A. VCF-style: chr15-89261741-G-A. GRCh37 (hg19) VCF-style: chr15-89804972-G-A.
Other names: c.166G>A, p.Gly56Ser (NM_001376910.1); c.445G>A, p.Gly149Ser (NM_001376911.1, NM_018193.3); short protein forms G149S, G56S.
Identifiers: ClinVar variation 220898 (VCV000220898.4), dbSNP rs763494935, ClinGen allele CA350446.